The following is an entry in ClinVar:

NM_003072.5(SMARCA4):c.4851C>A (p.Ser1617Arg)

Gene: SMARCA4 (SWI/SNF related BAF chromatin remodeling complex subunit ATPase 4; plus strand). Cytogenetic location: 19p13.2.
Variant type: single nucleotide variant.
Coding change: c.4851C>A on transcript NM_003072.5 (MANE Select); coding-DNA position 4851, C replaced by A.
Protein change: p.Ser1617Arg; replaces serine 1617 with arginine.
Molecular consequence: missense variant. On other transcripts: non-coding transcript variant (1).
Genome position (GRCh38, 1-based): chr19:11,060,127, C>A. VCF-style: chr19-11060127-C-A. GRCh37 (hg19) VCF-style: chr19-11170803-C-A.
Other names: c.4851C>A, p.Ser1617Arg (NM_001128844.3); c.4761C>A, p.Ser1587Arg (NM_001128845.2); c.4758C>A, p.Ser1586Arg (NM_001128846.2); c.4752C>A, p.Ser1584Arg (NM_001128847.4, NM_001374457.1); c.4749C>A, p.Ser1583Arg (NM_001128848.2); c.4947C>A, p.Ser1649Arg (NM_001128849.3, NM_001387283.1); short protein forms S1649R, S1584R, S1587R, S1583R, S1617R, S1586R.
Identifiers: ClinVar variation 581738 (VCV000581738.8), dbSNP rs1568566076, ClinGen allele CA404080722.

ClinVar aggregate classification (germline): Uncertain significance (1 of 4 stars; one submission).

Conditions:
Rhabdoid tumor predisposition syndrome 2 (RTPS2). Identifiers: Orphanet 231108, Orphanet 69077, MedGen C2750074, MONDO:0013224, OMIM 613325.

Submission:

Labcorp Genetics (formerly Invitae), Labcorp
Classification: Uncertain significance for Rhabdoid tumor predisposition syndrome 2. Last evaluated: 2024-04-10. Review status: criteria provided, single submitter. Criteria: Invitae Variant Classification Sherloc (09022015). Collection method: clinical testing. Allele origin: germline.
Comment: This sequence change replaces serine, which is neutral and polar, with arginine, which is basic and polar, at codon 1649 of the SMARCA4 protein (p.Ser1649Arg). This variant is not present in population databases (gnomAD no frequency). This variant has not been reported in the literature in individuals affected with SMARCA4-related conditions. ClinVar contains an entry for this variant (Variation ID: 581738). Advanced modeling of protein sequence and biophysical properties (such as structural, functional, and spatial information, amino acid conservation, physicochemical variation, residue mobility, and thermodynamic stability) performed at Invitae indicates that this missense variant is not expected to disrupt SMARCA4 protein function with a negative predictive value of 95%. In summary, the available evidence is currently insufficient to determine the role of this variant in disease. Therefore, it has been classified as a Variant of Uncertain Significance.